The following is an entry in ClinVar:

NM_139318.5(KCNH5):c.2690C>A (p.Pro897His)

Gene: KCNH5 (potassium voltage-gated channel subfamily H member 5; minus strand). Cytogenetic location: 14q23.2.
Variant type: single nucleotide variant.
Coding change: c.2690C>A on transcript NM_139318.5 (MANE Select); coding-DNA position 2690, C replaced by A.
Protein change: p.Pro897His; replaces proline 897 with histidine.
Molecular consequence: missense variant. On other transcripts: 3 prime UTR variant (1).
Genome position (GRCh38, 1-based): chr14:62,707,785, G>T on the plus strand (C>A on the coding strand, the complement: KCNH5 is on the minus strand). VCF-style: chr14-62707785-G-T. GRCh37 (hg19) VCF-style: chr14-63174503-G-T.
Other names: c.*657C>A (NM_172375.3); short protein forms P897H.
Identifiers: ClinVar variation 2913076 (VCV002913076.3), dbSNP rs1236970314, ClinGen allele CA390100044.
Genomic context (GRCh38, chr14:62,707,785, plus strand): 5'-AGTTCGTGTTTGACTTCCTGCAGTGTGGTCTGTAAGGCCTGCTCGGGGATGGGATAAAAG[G>T]GGTGCTTGGCATCAGCCTGGATGGGACTGTGCTCTAGCGGACTTCGGGCCTCCCCAGCCT-3'
Protein context (NP_647479.2, residues 887-907): HSPIQADAKH[Pro897His]FYPIPEQALQ

ClinVar aggregate classification (germline): Uncertain significance (1 of 4 stars; one submission).

Conditions:
Early-infantile DEE. Also called: Early infantile epileptic encephalopathy; Ohtahara syndrome; Early infantile epileptic encephalopathy with suppression bursts. Identifiers: Orphanet 1934, MedGen C0393706, MONDO:0800491.

Allele frequency attached by ClinVar (database versions not stated): TOPMed 0.00001; gnomAD 0.00003.
gnomAD v4.1: 8 of 1,614,002 alleles (0.0005%); highest among the groups gnomAD compares: African/African-American, 0.008%; no homozygotes.

Submission:

Labcorp Genetics (formerly Invitae), Labcorp
Classification: Uncertain significance for Early-infantile DEE. Last evaluated: 2025-02-03. Review status: criteria provided, single submitter. Criteria: Invitae Variant Classification Sherloc (09022015). Collection method: clinical testing. Allele origin: germline.
Comment: This sequence change replaces proline, which is neutral and non-polar, with histidine, which is basic and polar, at codon 897 of the KCNH5 protein (p.Pro897His). This variant is present in population databases (no rsID available, gnomAD 0.03%). This variant has not been reported in the literature in individuals affected with KCNH5-related conditions. ClinVar contains an entry for this variant (Variation ID: 2913076). Invitae Evidence Modeling of protein sequence and biophysical properties (such as structural, functional, and spatial information, amino acid conservation, physicochemical variation, residue mobility, and thermodynamic stability) indicates that this missense variant is not expected to disrupt KCNH5 protein function with a negative predictive value of 95%. In summary, the available evidence is currently insufficient to determine the role of this variant in disease. Therefore, it has been classified as a Variant of Uncertain Significance.